The following is an entry in ClinVar:

NM_005918.4(MDH2):c.722A>C (p.Lys241Thr)

Gene: MDH2 (malate dehydrogenase 2; plus strand). Cytogenetic location: 7q11.23.
Variant type: single nucleotide variant.
Coding change: c.722A>C on transcript NM_005918.4 (MANE Select); coding-DNA position 722, A replaced by C.
Protein change: p.Lys241Thr; replaces lysine 241 with threonine.
Molecular consequence: missense variant.
Genome position (GRCh38, 1-based): chr7:76,064,427, A>C. VCF-style: chr7-76064427-A-C. GRCh37 (hg19) VCF-style: chr7-75693745-A-C.
Other names: c.596A>C, p.Lys199Thr (NM_001282403.2); c.401A>C, p.Lys134Thr (NM_001282404.2); short protein forms K134T, K241T, K199T.
Identifiers: ClinVar variation 2560372 (VCV002560372.2), dbSNP rs1798038413, ClinGen allele CA367767643.

ClinVar aggregate classification (germline): Uncertain significance (1 of 4 stars; one submission).

Conditions:
Inborn genetic diseases. Identifiers: MedGen C0950123, MeSH D030342.

Allele frequency attached by ClinVar (database versions not stated): gnomAD exomes below 0.00001; gnomAD 0.00001.
gnomAD v4.1: 2 of 1,612,716 alleles (0.00012%); highest among the groups gnomAD compares: Admixed American, 0.0017%; no homozygotes.

Submission:

Ambry Genetics
Classification: Uncertain significance for Inborn genetic diseases. Last evaluated: 2023-03-17. Review status: criteria provided, single submitter. Criteria: Ambry Variant Classification Scheme 2023. Collection method: clinical testing. Allele origin: germline.
Comment: The p.K241T variant (also known as c.722A>C), located in coding exon 7 of the MDH2 gene, results from an A to C substitution at nucleotide position 722. The lysine at codon 241 is replaced by threonine, an amino acid with similar properties. This amino acid position is conserved. In addition, this alteration is predicted to be deleterious by in silico analysis. Since supporting evidence is limited at this time, the clinical significance of this alteration remains unclear.